The following is an entry in ClinVar:

ClinVar aggregate classification (germline): Likely benign (1 of 4 stars; one submission).

Allele frequency attached by ClinVar (database versions not stated): gnomAD 0.00001; TOPMed 0.00002; ExAC 0.00003.
gnomAD v4.1: 38 of 1,613,568 alleles (0.0024%); highest among the groups gnomAD compares: East Asian, 0.022%; 1 homozygote.

Submission:

CeGaT Center for Human Genetics Tuebingen
Classification: Likely benign. Last evaluated: 2022-11-01. Review status: criteria provided, single submitter. Criteria: CeGaT Center For Human Genetics Tuebingen Variant Classification Criteria Version 2. Collection method: clinical testing. Allele origin: germline. Affected: yes. Observed: 1 variant allele.
Comment: RRP8: BP4

NM_015324.4(RRP8):c.916C>T (p.Arg306Trp)

Gene: RRP8 (ribosomal RNA processing 8; minus strand). Cytogenetic location: 11p15.4.
Variant type: single nucleotide variant.
Coding change: c.916C>T on transcript NM_015324.4 (MANE Select); coding-DNA position 916, C replaced by T.
Protein change: p.Arg306Trp; replaces arginine 306 with tryptophan.
Molecular consequence: missense variant.
Genome position (GRCh38, 1-based): chr11:6,601,150, G>A on the plus strand (C>T on the coding strand, the complement: RRP8 is on the minus strand). VCF-style: chr11-6601150-G-A. GRCh37 (hg19) VCF-style: chr11-6622380-G-A.
Other names: short protein forms R306W.
Identifiers: ClinVar variation 2641556 (VCV002641556.24), dbSNP rs778075365, ClinGen allele CA5857569.